The following is an entry in ClinVar:

NM_002354.3(EPCAM):c.820G>A (p.Val274Ile)

Gene: EPCAM (epithelial cell adhesion molecule; plus strand). Cytogenetic location: 2p21.
Variant type: single nucleotide variant.
Coding change: c.820G>A on transcript NM_002354.3 (MANE Select); coding-DNA position 820, G replaced by A.
Protein change: p.Val274Ile; replaces valine 274 with isoleucine.
Molecular consequence: missense variant.
Genome position (GRCh38, 1-based): chr2:47,379,931, G>A. VCF-style: chr2-47379931-G-A. GRCh37 (hg19) VCF-style: chr2-47607070-G-A.
Other names: short protein forms V274I.
Identifiers: ClinVar variation 3222142 (VCV003222142.1), dbSNP rs2103759351, ClinGen allele CA346724887.

ClinVar aggregate classification (germline): Uncertain significance (1 of 4 stars; one submission).

Conditions:
Hereditary cancer-predisposing syndrome. Also called: Tumor predisposition; Hereditary neoplastic syndrome; Hereditary Cancer Syndrome; Neoplastic Syndromes, Hereditary. Identifiers: Orphanet 140162, MedGen C0027672, MeSH D009386, MONDO:0015356.

Submission:

Ambry Genetics
Classification: Uncertain significance for Hereditary cancer-predisposing syndrome. Last evaluated: 2024-01-12. Review status: criteria provided, single submitter. Criteria: Ambry Variant Classification Scheme 2023. Collection method: clinical testing. Allele origin: germline.
Comment: The p.V274I variant (also known as c.820G>A), located in coding exon 7 of the EPCAM gene, results from a G to A substitution at nucleotide position 820. The valine at codon 274 is replaced by isoleucine, an amino acid with highly similar properties. This amino acid position is conserved. In addition, the in silico prediction for this alteration is inconclusive. Since supporting evidence is limited at this time, the clinical significance of this alteration remains unclear.